The following is an entry in ClinVar:

ClinVar aggregate classification (germline): Likely pathogenic (1 of 4 stars; one submission).

Submission:

GeneDx
Classification: Likely pathogenic. Last evaluated: 2016-09-09. Review status: criteria provided, single submitter. Criteria: GeneDx Variant Classification (06012015). Collection method: clinical testing. Allele origin: germline. Affected: yes.
Comment: This deletion of one nucleotide in PALB2 is denoted c.2029delG at the cDNA level and p.Val677PhefsX32 (V677FfsX32) at the protein level. The normal sequence, with the base that is deleted in braces, is TATT[G]TTCT. The deletion causes a frameshift which changes a Valine to a Phenylalanine at codon 677, and creates a premature stop codon at position 32 of the new reading frame. Although this variant has not, to our knowledge, been reported in the literature, it is predicted to cause loss of normal protein function through either protein truncation or nonsense-mediated mRNA decay. Based on the currently available information, we consider this deletion to be a likely pathogenic variant.

NM_024675.4(PALB2):c.2029del (p.Val677fs)

Gene: PALB2 (partner and localizer of BRCA2; minus strand). Cytogenetic location: 16p12.2.
Variant type: Deletion.
Coding change: c.2029del on transcript NM_024675.4 (MANE Select); coding-DNA position 2029, one base deleted (G; older notation c.2029delG).
Protein change: p.Val677fs; shifts the reading frame from valine 677.
Molecular consequence: frameshift variant.
Genome position (GRCh38, 1-based): chr16:23,630,125, C deleted on the plus strand (G on the coding strand, the reverse complement: PALB2 is on the minus strand). VCF-style (leftmost placement, unchanged base first): chr16-23630124-AC-A. GRCh37 (hg19) VCF-style: chr16-23641445-AC-A.
Other names: c.2029delG (NM_024675.3); short protein forms V677fs.
Identifiers: ClinVar variation 280851 (VCV000280851.2), dbSNP rs886041984, ClinGen allele CA10603369.